The following is an entry in ClinVar:

ClinVar aggregate classification (germline): Uncertain significance. Review status: criteria provided, multiple submitters, no conflicts (2 of 4 stars). 5 submissions from 5 submitters: Uncertain significance (5). Last evaluated 2026-02-02.

Conditions:
Familial adenomatous polyposis 4 (FAP4). Also called: MSH3-related attenuated familial adenomatous polyposis. Identifiers: Orphanet 480536, MedGen C4310719, MONDO:0044300, OMIM 617100.
Hereditary cancer-predisposing syndrome. Also called: Hereditary neoplastic syndrome; Tumor predisposition; Neoplastic Syndromes, Hereditary; Hereditary Cancer Syndrome. Identifiers: Orphanet 140162, MedGen C0027672, MeSH D009386, MONDO:0015356.
Endometrial carcinoma. Also called: Endometrial carcinoma, somatic. Identifiers: MedGen C0476089, MONDO:0002447, OMIM 608089, HP:0012114.

Allele frequency attached by ClinVar (database versions not stated): gnomAD 0.00003 and 0.00002; TOPMed 0.00003.
gnomAD v4.1: 49 of 1,613,870 alleles (0.003%); highest among the groups gnomAD compares: Non-Finnish European, 0.004%; no homozygotes.

Submissions (5):

Labcorp Genetics (formerly Invitae), Labcorp
Classification: Uncertain significance. Last evaluated: 2026-02-02. Review status: criteria provided, single submitter. Criteria: Invitae Variant Classification Sherloc (09022015). Collection method: clinical testing. Allele origin: germline.
Comment: This sequence change replaces isoleucine, which is neutral and non-polar, with methionine, which is neutral and non-polar, at codon 440 of the MSH3 protein (p.Ile440Met). This variant is present in population databases (rs61749609, gnomAD 0.003%). This missense change has been observed in individual(s) with colorectal cancer (PMID: 29212164). ClinVar contains an entry for this variant (Variation ID: 657249). An algorithm developed to predict the effect of missense changes on protein structure and function (PolyPhen-2) suggests that this variant is likely to be disruptive. In summary, the available evidence is currently insufficient to determine the role of this variant in disease. Therefore, it has been classified as a Variant of Uncertain Significance.

Quest Diagnostics Nichols Institute San Juan Capistrano
Classification: Uncertain significance. Last evaluated: 2025-03-08. Review status: criteria provided, single submitter. Criteria: Quest Diagnostics criteria. Collection method: clinical testing. Allele origin: unknown.
Comment: The MSH3 c.1320C>G (p.Ile440Met) variant has been reported in the published literature in an individual with colorectal cancer (PMID: 29212164 (2017)). The frequency of this variant in the general population (Genome Aggregation Database) is uninformative in the assessment of its pathogenicity. Analysis of this variant using bioinformatics tools for the prediction of the effect of amino acid changes on protein structure and function yielded conflicting predictions that this variant is benign or damaging. Based on the available information, we are unable to determine the clinical significance of this variant.

Ambry Genetics
Classification: Uncertain significance for Hereditary cancer-predisposing syndrome. Last evaluated: 2024-10-30. Review status: criteria provided, single submitter. Criteria: Ambry Variant Classification Scheme 2023. Collection method: clinical testing. Allele origin: germline.
Comment: The p.I440M variant (also known as c.1320C>G), located in coding exon 8 of the MSH3 gene, results from a C to G substitution at nucleotide position 1320. The isoleucine at codon 440 is replaced by methionine, an amino acid with highly similar properties. This amino acid position is not well conserved in available vertebrate species. In addition, this alteration is predicted to be tolerated by in silico analysis. Since supporting evidence is limited at this time, the clinical significance of this alteration remains unclear.

Baylor Genetics
Classification: Uncertain significance for Endometrial carcinoma. Last evaluated: 2024-01-26. Review status: criteria provided, single submitter. Criteria: ACMG Guidelines, 2015. Collection method: clinical testing. Allele origin: unknown.

Department of Pathology and Laboratory Medicine, Sinai Health System
Classification: Uncertain significance for Familial adenomatous polyposis 4. Last evaluated: 2023-10-04. Review status: criteria provided, single submitter. Criteria: ACMG Guidelines, 2015. Collection method: clinical testing. Allele origin: germline. Affected: yes.

Literature cited by the submitters: PubMed 29212164 (cited by 4 submitters).

NM_002439.5(MSH3):c.1320C>G (p.Ile440Met)

Gene: MSH3 (mutS homolog 3; plus strand). Cytogenetic location: 5q14.1.
Variant type: single nucleotide variant.
Coding change: c.1320C>G on transcript NM_002439.5 (MANE Select); coding-DNA position 1320, C replaced by G.
Protein change: p.Ile440Met; replaces isoleucine 440 with methionine.
Molecular consequence: missense variant.
Genome position (GRCh38, 1-based): chr5:80,679,073, C>G. VCF-style: chr5-80679073-C-G. GRCh37 (hg19) VCF-style: chr5-79974892-C-G.
Other names: short protein forms I440M.
Identifiers: ClinVar variation 657249 (VCV000657249.16), dbSNP rs61749609, ClinGen allele CA121297326.